The following is an entry in ClinVar:

ClinVar aggregate classification (germline): Uncertain significance. Review status: criteria provided, multiple submitters, no conflicts (2 of 4 stars). 3 submissions from 3 submitters: Uncertain significance (3). Last evaluated 2023-08-29.

Conditions:
Long QT syndrome (LQTS). Identifiers: MedGen C0023976, MeSH D008133, MONDO:0002442. Disease mechanism: loss of function. Inheritance: Various modes of inheritance.
Cardiovascular phenotype. Identifiers: MedGen CN230736.
Long QT syndrome 11 (LQT11). Identifiers: Orphanet 101016, Orphanet 768, MedGen C2678483, MONDO:0012738, OMIM 611820.

Allele frequency attached by ClinVar (database versions not stated): gnomAD 0.00001; TOPMed 0.00001.
gnomAD v4.1: 4 of 1,613,718 alleles (0.00025%); highest among the groups gnomAD compares: African/African-American, 0.0053%; no homozygotes.

Submissions (3):

Ambry Genetics
Classification: Uncertain significance for Cardiovascular phenotype. Last evaluated: 2023-08-29. Review status: criteria provided, single submitter. Criteria: Ambry Variant Classification Scheme 2023. Collection method: clinical testing. Allele origin: germline.
Comment: The p.Q1823E variant (also known as c.5467C>G), located in coding exon 22 of the AKAP9 gene, results from a C to G substitution at nucleotide position 5467. The glutamine at codon 1823 is replaced by glutamic acid, an amino acid with highly similar properties. This amino acid position is well conserved in available vertebrate species. In addition, this alteration is predicted to be tolerated by in silico analysis. The evidence for this gene-disease relationship is limited; therefore, the clinical significance of this alteration is unclear.

Labcorp Genetics (formerly Invitae), Labcorp
Classification: Uncertain significance for Long QT syndrome. Last evaluated: 2022-11-15. Review status: criteria provided, single submitter. Criteria: Invitae Variant Classification Sherloc (09022015). Collection method: clinical testing. Allele origin: germline.
Comment: ClinVar contains an entry for this variant (Variation ID: 941022). This variant has not been reported in the literature in individuals affected with AKAP9-related conditions. This variant is not present in population databases (gnomAD no frequency). This sequence change replaces glutamine, which is neutral and polar, with glutamic acid, which is acidic and polar, at codon 1823 of the AKAP9 protein (p.Gln1823Glu). Algorithms developed to predict the effect of missense changes on protein structure and function output the following: SIFT: "Tolerated"; PolyPhen-2: "Benign"; Align-GVGD: "Class C0". The glutamic acid amino acid residue is found in multiple mammalian species, which suggests that this missense change does not adversely affect protein function. In summary, the available evidence is currently insufficient to determine the role of this variant in disease. Therefore, it has been classified as a Variant of Uncertain Significance.

Fulgent Genetics
Classification: Uncertain significance for Long QT syndrome 11. Last evaluated: 2021-10-14. Review status: criteria provided, single submitter. Criteria: ACMG Guidelines, 2015. Collection method: clinical testing. Allele origin: unknown.

NM_005751.5(AKAP9):c.5467C>G (p.Gln1823Glu)

Gene: AKAP9 (A-kinase anchoring protein 9; plus strand). Cytogenetic location: 7q21.2.
Variant type: single nucleotide variant.
Coding change: c.5467C>G on transcript NM_005751.5 (MANE Select); coding-DNA position 5467, C replaced by G.
Protein change: p.Gln1823Glu; replaces glutamine 1823 with glutamic acid.
Molecular consequence: missense variant.
Genome position (GRCh38, 1-based): chr7:92,052,824, C>G. VCF-style: chr7-92052824-C-G. GRCh37 (hg19) VCF-style: chr7-91682138-C-G.
Other names: c.5467C>G, p.Gln1823Glu (NM_147185.3); short protein forms Q1823E.
Identifiers: ClinVar variation 941022 (VCV000941022.13), dbSNP rs1376036983, ClinGen allele CA368131133.
Genomic context (GRCh38, chr7:92,052,824, plus strand): 5'-ATGCCAAGAAATGACATTAACATGTGGTCAAAAGTAACTGAGGAAGGAACAGAGCTGTCA[C>G]AACGACTTGTGAGGAGTGGTTTTGCTGGAACTGAAATAGACCCTGAAAATGAAGAACTTA-3'
Protein context (NP_005742.4, residues 1813-1833): KVTEEGTELS[Gln1823Glu]RLVRSGFAGT